The following is an entry in ClinVar:

NM_000209.4(PDX1):c.494_497delinsAC (p.Phe165fs)

Gene: PDX1 (pancreatic and duodenal homeobox 1; plus strand). Cytogenetic location: 13q12.2.
Variant type: Indel.
Coding change: c.494_497delinsAC on transcript NM_000209.4 (MANE Select); coding-DNA positions 494 to 497, TCCT replaced by AC.
Protein change: p.Phe165fs; shifts the reading frame from phenylalanine 165.
Molecular consequence: frameshift variant.
Genome position (GRCh38, 1-based): chr13:27,924,343-27,924,346, TCCT replaced by AC. VCF-style: chr13-27924343-TCCT-AC. GRCh37 (hg19) VCF-style: chr13-28498480-TCCT-AC.
Other names: short protein forms F165fs.
Identifiers: ClinVar variation 3902578 (VCV003902578.1).

ClinVar aggregate classification (germline): Pathogenic (1 of 4 stars; one submission).

Conditions:
Familial Monogenic Diabetes (Maturity Onset Diabetes Of The Young 4)/Neonatal Diabetes Mellitus.

Submission:

Women's Health and Genetics/Laboratory Corporation of America, LabCorp
Classification: Pathogenic for Familial Monogenic Diabetes (Maturity Onset Diabetes Of The Young 4)/Neonatal Diabetes Mellitus. Last evaluated: 2025-05-02. Review status: criteria provided, single submitter. Criteria: LabCorp Variant Classification Summary - May 2015. Collection method: clinical testing. Allele origin: germline.
Comment: Variant summary: PDX1 c.494_497delinsAC (p.Phe165TyrfsX59) results in a premature termination codon, predicted to cause a truncation of the encoded protein or absence of the protein due to nonsense mediated decay, which are commonly known mechanisms for disease. The variant was absent in 1612540 control chromosomes. To our knowledge, no occurrence of c.494_497delinsAC in individuals affected with Familial Monogenic Diabetes (Maturity Onset Diabetes Of The Young 4)/Neonatal Diabetes Mellitus and no experimental evidence demonstrating its impact on protein function have been reported. A downstream nonsense variant (c.607A>T, p.Lys203X) and a missense variant (c.634G>A , ) has been classified as likely pathogenic internally. No submitters have cited clinical-significance assessments for this variant to ClinVar. Based on the evidence outlined abovep.Gly212Arg, the variant was classified as pathogenic.